The following is an entry in ClinVar:

ClinVar aggregate classification (germline): Pathogenic. Review status: criteria provided, multiple submitters, no conflicts (2 of 4 stars). 2 submissions from 2 submitters: Pathogenic (2). Last evaluated 2021-12-20.

Conditions:
Hereditary nonpolyposis colorectal neoplasms. Identifiers: MedGen C0009405, MeSH D003123.
Hereditary cancer-predisposing syndrome. Also called: Neoplastic Syndromes, Hereditary; Tumor predisposition; Hereditary Cancer Syndrome; Hereditary neoplastic syndrome. Identifiers: Orphanet 140162, MedGen C0027672, MeSH D009386, MONDO:0015356.

Submissions (2):

Labcorp Genetics (formerly Invitae), Labcorp
Classification: Pathogenic for Hereditary nonpolyposis colorectal neoplasms. Last evaluated: 2021-12-20. Review status: criteria provided, single submitter. Criteria: Invitae Variant Classification Sherloc (09022015). Collection method: clinical testing. Allele origin: germline.
Comment: This sequence change creates a premature translational stop signal (p.Leu351Cysfs*5) in the PMS2 gene. It is expected to result in an absent or disrupted protein product. Loss-of-function variants in PMS2 are known to be pathogenic (PMID: 21376568, 24362816). This variant is not present in population databases (gnomAD no frequency). This variant has not been reported in the literature in individuals affected with PMS2-related conditions. For these reasons, this variant has been classified as Pathogenic.

Ambry Genetics
Classification: Pathogenic for Hereditary cancer-predisposing syndrome. Last evaluated: 2018-06-25. Review status: criteria provided, single submitter. Criteria: Ambry Variant Classification Scheme 2023. Collection method: clinical testing. Allele origin: germline.
Comment: The c.1052delT pathogenic mutation, located in coding exon 10 of the PMS2 gene, results from a deletion of one nucleotide at nucleotide position 1052, causing a translational frameshift with a predicted alternate stop codon (p.L351Cfs*5). This alteration is expected to result in loss of function by premature protein truncation or nonsense-mediated mRNA decay. As such, this alteration is interpreted as a disease-causing mutation.

Literature cited by the submitters: PubMed 21376568 (cited by Labcorp Genetics (formerly Invitae), Labcorp); PubMed 24362816 (cited by Labcorp Genetics (formerly Invitae), Labcorp).

NM_000535.7(PMS2):c.1052del (p.Leu351fs)

Gene: PMS2 (PMS1 homolog 2, mismatch repair system component; minus strand). Cytogenetic location: 7p22.1.
Variant type: Deletion.
Coding change: c.1052del on transcript NM_000535.7 (MANE Select); coding-DNA position 1052, one base deleted (T; older notation c.1052delT).
Protein change: p.Leu351fs; shifts the reading frame from leucine 351.
Molecular consequence: frameshift variant. On other transcripts: non-coding transcript variant (1), intron variant (2).
Genome position (GRCh38, 1-based): chr7:5,989,892, A deleted on the plus strand (T on the coding strand, the reverse complement: PMS2 is on the minus strand); the first of 4 consecutive A bases (chr7:5,989,892-5,989,895); deleting any one gives the same sequence. VCF-style (leftmost placement, unchanged base first): chr7-5989891-CA-C. GRCh37 (hg19) VCF-style: chr7-6029522-CA-C.
Other names: c.644delT, p.Leu216Cysfs (NM_001018040.1, NM_001406887.1, NM_001406888.1 and 13 more transcripts); c.647del, p.Leu216fs (NM_001322003.2, NM_001322004.2, NM_001322005.2 and 1 more transcripts); c.734del, p.Leu245fs (NM_001322007.2, NM_001322008.2); c.119del, p.Leu40fs (NM_001322011.2, NM_001322012.2); c.479del, p.Leu160fs (NM_001322013.2); c.1052del, p.Leu351fs (NM_001322014.2); c.743del, p.Leu248fs (NM_001322015.2); c.1235delT, p.Leu413Cysfs (NM_001406866.1); and 15 more; short protein forms L248fs, L40fs, L160fs, L351fs, L216fs, L245fs.
Identifiers: ClinVar variation 1777585 (VCV001777585.7), dbSNP rs2535932377, ClinGen allele CA2580077005.